The following is an entry in ClinVar:

ClinVar aggregate classification (germline): Uncertain significance (1 of 4 stars; one submission).

Conditions:
Rubinstein-Taybi syndrome due to EP300 haploinsufficiency. Also called: RUBINSTEIN-TAYBI SYNDROME 2; EP300-Related Rubinstein-Taybi Syndrome. Identifiers: Orphanet 353284, Orphanet 783, MedGen C3150941, MONDO:0013364, OMIM 613684.

Allele frequency attached by ClinVar (database versions not stated): gnomAD exomes below 0.00001.
gnomAD v4.1: 1 of 1,614,142 alleles (0.000062%); highest among the groups gnomAD compares: Admixed American, 0.0017%; no homozygotes.

Submission:

Labcorp Genetics (formerly Invitae), Labcorp
Classification: Uncertain significance for Rubinstein-Taybi syndrome due to EP300 haploinsufficiency. Last evaluated: 2022-03-14. Review status: criteria provided, single submitter. Criteria: Invitae Variant Classification Sherloc (09022015). Collection method: clinical testing. Allele origin: germline.
Comment: In summary, the available evidence is currently insufficient to determine the role of this variant in disease. Therefore, it has been classified as a Variant of Uncertain Significance. Algorithms developed to predict the effect of missense changes on protein structure and function are either unavailable or do not agree on the potential impact of this missense change (SIFT: "Deleterious"; PolyPhen-2: "Not Available"; Align-GVGD: "Class C65"). This variant has not been reported in the literature in individuals affected with EP300-related conditions. This variant is not present in population databases (gnomAD no frequency). This sequence change replaces serine, which is neutral and polar, with cysteine, which is neutral and slightly polar, at codon 35 of the EP300 protein (p.Ser35Cys).

NM_001429.4(EP300):c.104C>G (p.Ser35Cys)

Gene: EP300 (EP300 lysine acetyltransferase; plus strand). Cytogenetic location: 22q13.2.
Variant type: single nucleotide variant.
Coding change: c.104C>G on transcript NM_001429.4 (MANE Select); coding-DNA position 104, C replaced by G.
Protein change: p.Ser35Cys; replaces serine 35 with cysteine.
Molecular consequence: missense variant.
Genome position (GRCh38, 1-based): chr22:41,117,196, C>G. VCF-style: chr22-41117196-C-G. GRCh37 (hg19) VCF-style: chr22-41513200-C-G.
Other names: c.104C>G, p.Ser35Cys (NM_001362843.2); short protein forms S35C.
Identifiers: ClinVar variation 1388633 (VCV001388633.6), dbSNP rs2145696235, ClinGen allele CA411679576.